The following is an entry in ClinVar:

ClinVar aggregate classification (germline): Benign. Review status: criteria provided, multiple submitters, no conflicts (2 of 4 stars). 4 submissions from 4 submitters: Benign (3). 1 of the submissions does not count toward it. Last evaluated 2023-03-23.

Conditions:
TAF15-related disorder. Also called: TAF15-related condition.

Submissions (4):

Mayo Clinic Laboratories, Mayo Clinic
Classification: Benign. Last evaluated: 2023-03-23. Review status: criteria provided, single submitter. Criteria: ACMG Guidelines, 2015. Collection method: clinical testing. Allele origin: germline. Observed: 7 variant alleles.
Comment: BS1, BS2

Labcorp Genetics (formerly Invitae), Labcorp
Classification: Benign. Last evaluated: 2019-12-31. Review status: criteria provided, single submitter. Criteria: Invitae Variant Classification Sherloc (09022015). Collection method: clinical testing. Allele origin: germline.

GeneDx
Classification: Benign. Last evaluated: 2019-08-23. Review status: criteria provided, single submitter. Criteria: GeneDx Variant Classification Process June 2021. Collection method: clinical testing. Allele origin: germline. Affected: yes.

PreventionGenetics, part of Exact Sciences
Classification: Benign for TAF15-related condition. Last evaluated: 2020-02-20. Review status: no assertion criteria provided. Collection method: clinical testing. Allele origin: germline. Not counted in ClinVar's aggregate classification.
Comment: This variant is classified as benign based on ACMG/AMP sequence variant interpretation guidelines (Richards et al. 2015 PMID: 25741868, with internal and published modifications).

NM_139215.3(TAF15):c.1392_1415del (p.454_461GYGGDRGG[3])

Gene: TAF15 (TATA-box binding protein associated factor 15; plus strand). Cytogenetic location: 17q12.
Variant type: Deletion.
Coding change: c.1392_1415del on transcript NM_139215.3 (MANE Select); coding-DNA positions 1392 to 1415, 24 bases deleted (TGGGGACAGAGGAGGCGGCTATGG).
Protein change: p.454_461GYGGDRGG[3].
Molecular consequence: inframe deletion.
Genome position (GRCh38, 1-based): chr17:35,844,691-35,844,714, TGGGGACAGAGGAGGCGGCTATGG deleted; deleting any 24 consecutive bases within chr17:35,844,680-35,844,714 gives the same sequence; the c. name uses the placement nearest the transcript's 3' end. VCF-style (leftmost placement, unchanged base first): chr17-35844679-CGGCGGCTATGGTGGGGACAGAGGA-C. GRCh37 (hg19) VCF-style: chr17-34171683-CGGCGGCTATGGTGGGGACAGAGGA-C.
Other names: p.Gly478_Gly485del; c.1392_1415del24 (NM_139215.2); c.1392_1415del (NM_139215.2); c.1383_1406del, p.451_458GYGGDRGG[3] (NM_003487.4).
Identifiers: ClinVar variation 789091 (VCV000789091.10), dbSNP rs762946549, ClinGen allele CA290041376.